The following is an entry in ClinVar:

NM_001130987.2(DYSF):c.4153C>T (p.Gln1385Ter)

Gene: DYSF (dysferlin; plus strand). Cytogenetic location: 2p13.2.
Variant type: single nucleotide variant.
Coding change: c.4153C>T on transcript NM_001130987.2 (MANE Select); coding-DNA position 4153, C replaced by T.
Protein change: p.Gln1385Ter; replaces glutamine 1385 with a stop codon.
Molecular consequence: nonsense.
Genome position (GRCh38, 1-based): chr2:71,611,558, C>T. VCF-style: chr2-71611558-C-T. GRCh37 (hg19) VCF-style: chr2-71838688-C-T.
Other names: c.4102C>T, p.Gln1368Ter (NM_001130455.2, NM_001130983.2); c.4057C>T, p.Gln1353Ter (NM_001130976.2, NM_001130977.2); c.4099C>T, p.Gln1367Ter (NM_001130978.2, NM_003494.4); c.4192C>T, p.Gln1398Ter (NM_001130979.2); c.4150C>T, p.Gln1384Ter (NM_001130980.2, NM_001130981.2); c.4195C>T, p.Gln1399Ter (NM_001130982.2); c.4060C>T, p.Gln1354Ter (NM_001130984.2, NM_001130986.2); c.4153C>T, p.Gln1385Ter (NM_001130985.2); short protein forms Q1399*, Q1368*, Q1384*, Q1385*, Q1398*, Q1353*, Q1354*, Q1367*.
Identifiers: ClinVar variation 647109 (VCV000647109.7), dbSNP rs1574340403, ClinGen allele CA347228576.
Genomic context (GRCh38, chr2:71,611,558, plus strand): 5'-TACCAGCTGGCCAACATCTCCTCCCCCAGCCTCGTGGTAGAGTGTGGGGGCCAGACGGTG[C>T]AGTCCTGTGTCATCAGGAACCTCCGGAAGAACCCCAACTTTGACATCTGCACCCTCTTCA-3'

ClinVar aggregate classification (germline): Pathogenic/Likely pathogenic. Review status: criteria provided, multiple submitters, no conflicts (2 of 4 stars). 2 submissions from 2 submitters: Pathogenic (1); Likely pathogenic (1). Last evaluated 2022-09-07.

Conditions:
Miyoshi muscular dystrophy 1 (MMD1). Identifiers: Orphanet 45448, MedGen C4551973, MONDO:0024545, OMIM 254130.
Neuromuscular disease caused by qualitative or quantitative defects of dysferlin. Also called: Qualitative or quantitative defects of dysferlin; Dysferlinopathy. Identifiers: Orphanet 207073, MedGen C2931687, MONDO:0016145.

Allele frequency attached by ClinVar (database versions not stated): TOPMed below 0.00001.

Submissions (2):

Labcorp Genetics (formerly Invitae), Labcorp
Classification: Pathogenic for Neuromuscular disease caused by qualitative or quantitative defects of dysferlin. Last evaluated: 2022-09-07. Review status: criteria provided, single submitter. Criteria: Invitae Variant Classification Sherloc (09022015). Collection method: clinical testing. Allele origin: germline.
Comment: For these reasons, this variant has been classified as Pathogenic. ClinVar contains an entry for this variant (Variation ID: 647109). This variant has not been reported in the literature in individuals affected with DYSF-related conditions. This variant is not present in population databases (gnomAD no frequency). This sequence change creates a premature translational stop signal (p.Gln1367*) in the DYSF gene. It is expected to result in an absent or disrupted protein product. Loss-of-function variants in DYSF are known to be pathogenic (PMID: 17698709, 20301480).

Baylor Genetics
Classification: Likely pathogenic for Miyoshi muscular dystrophy 1. Last evaluated: 2022-02-03. Review status: criteria provided, single submitter. Criteria: ACMG Guidelines, 2015. Collection method: clinical testing. Allele origin: unknown.

Literature cited by the submitters: PubMed 17698709 (cited by Labcorp Genetics (formerly Invitae), Labcorp); PubMed 20301480 (cited by Labcorp Genetics (formerly Invitae), Labcorp).